The following is an entry in ClinVar:

NM_001379029.1(CERT1):c.613G>A (p.Asp205Asn)

Gene: CERT1 (ceramide transporter 1; minus strand). Cytogenetic location: 5q13.3.
Variant type: single nucleotide variant.
Coding change: c.613G>A on transcript NM_001379029.1 (MANE Select); coding-DNA position 613, G replaced by A.
Protein change: p.Asp205Asn; replaces aspartic acid 205 with asparagine.
Molecular consequence: missense variant.
Genome position (GRCh38, 1-based): chr5:75,419,407, C>T on the plus strand (G>A on the coding strand, the complement: CERT1 is on the minus strand). VCF-style: chr5-75419407-C-T. GRCh37 (hg19) VCF-style: chr5-74715232-C-T.
Other names: c.997G>A, p.Asp333Asn (NM_001130105.1); c.613G>A, p.Asp205Asn (NM_001379002.1, NM_001379003.1, NM_001379004.1 and 2 more transcripts); short protein forms D205N, D333N.
Identifiers: ClinVar variation 4887693 (VCV004887693.1).
Genomic context (GRCh38, chr5:75,419,407, plus strand): 5'-CTTTATTGCCGTTGGTACTATGCAAGAAGTCACCATCAGAACGCGTTGTAGGAAAGTCAT[C>T]TTCATCATCTTCTACCACTAAATAAAATATATTTAAGGAAATTAGGATGAAAAGAAATAG-3'
Protein context (NP_001365958.1, residues 195-215): QRDKVVEDDE[Asp205Asn]DFPTTRSDGD

ClinVar aggregate classification (germline): Uncertain significance (1 of 4 stars; one submission).

Submission:

Women's Health and Genetics/Laboratory Corporation of America, LabCorp
Classification: Uncertain significance. Last evaluated: 2026-06-25. Review status: criteria provided, single submitter. Criteria: LabCorp Variant Classification Summary - May 2015. Collection method: clinical testing. Allele origin: germline.
Comment: Variant summary: CERT1 c.997G>A (p.Asp333Asn) results in a conservative amino acid change in the encoded protein sequence. Algorithms developed to predict the effect of missense changes on protein structure and function are either unavailable or do not agree on the potential impact of this missense change. The variant allele was found at a frequency of 1.2e-06 in 1608248 control chromosomes. The available data on variant occurrences in the general population are insufficient to allow any conclusion about variant significance. To our knowledge, no occurrence of c.997G>A in individuals affected with CERT1-related conditions and no experimental evidence demonstrating its impact on protein function have been reported. No submitters have cited clinical-significance assessments for this variant to ClinVar. Based on the evidence outlined above, the variant was classified as uncertain significance.

Literature cited by the submitters: PubMed 36976648.